The following is an entry in ClinVar:

ClinVar aggregate classification (germline): Uncertain significance (1 of 4 stars; one submission).

Submission:

Labcorp Genetics (formerly Invitae), Labcorp
Classification: Uncertain significance. Last evaluated: 2021-10-13. Review status: criteria provided, single submitter. Criteria: Invitae Variant Classification Sherloc (09022015). Collection method: clinical testing. Allele origin: germline.
Comment: In summary, the available evidence is currently insufficient to determine the role of this variant in disease. Therefore, it has been classified as a Variant of Uncertain Significance. A similar copy number variant has been observed in individual(s) with clinical features of GABRB1-related conditions (Invitae). This variant is a gross deletion of the genomic region encompassing exon(s) 1-4 of the GABRB1 gene, which includes the initiator codon. This deletion extends beyond the assayed region for this gene and therefore may encompass additional genes. It is expected to result in an absent or disrupted protein product. However, the current clinical and genetic evidence is not sufficient to establish whether loss-of-function variants in GABRB1 cause disease.

NC_000004.11:g.(?_46252325)_(47163506_?)del

Genes: GABRA4 (gamma-aminobutyric acid type A receptor subunit alpha4; minus strand), GABRB1 (gamma-aminobutyric acid type A receptor subunit beta1; plus strand), COX7B2 (cytochrome c oxidase subunit 7B2; minus strand), GABRA2 (gamma-aminobutyric acid type A receptor subunit alpha2; minus strand). Cytogenetic location: 4p12.
Variant type: Deletion.
Identifiers: ClinVar variation 1431728 (VCV001431728.4).